The following is an entry in ClinVar:

ClinVar aggregate classification (germline): Likely benign (0 of 4 stars; one submission).

Conditions:
NRP1-related disorder. Also called: NRP1-related condition.

Allele frequency attached by ClinVar (database versions not stated): ESP Exome Variant Server 0.00008; 1000 Genomes Project 30x 0.00016; 1000 Genomes Project 0.00020.
gnomAD v4.1: 60 of 1,614,114 alleles (0.0037%); highest among the groups gnomAD compares: South Asian, 0.019%; no homozygotes.

Submission:

PreventionGenetics, part of Exact Sciences
Classification: Likely benign for NRP1-related condition. Last evaluated: 2024-02-05. Review status: no assertion criteria provided. Collection method: clinical testing. Allele origin: germline.
Comment: This variant is classified as likely benign based on ACMG/AMP sequence variant interpretation guidelines (Richards et al. 2015 PMID: 25741868, with internal and published modifications).

NM_003873.7(NRP1):c.720G>A (p.Ser240=)

Gene: NRP1 (neuropilin 1; minus strand). Cytogenetic location: 10p11.22.
Variant type: single nucleotide variant.
Coding change: c.720G>A on transcript NM_003873.7 (MANE Select); coding-DNA position 720, G replaced by A.
Protein change: p.Ser240=; no amino-acid change (serine 240 retained).
Molecular consequence: synonymous variant. On other transcripts: non-coding transcript variant (1).
Genome position (GRCh38, 1-based): chr10:33,256,410, C>T on the plus strand (G>A on the coding strand, the complement: NRP1 is on the minus strand). VCF-style: chr10-33256410-C-T. GRCh37 (hg19) VCF-style: chr10-33545338-C-T.
Other names: c.720G>A, p.Ser240= (NM_001024628.3, NM_001024629.3, NM_001244972.2 and 2 more transcripts).
Identifiers: ClinVar variation 3030870 (VCV003030870.2), dbSNP rs142485008, ClinGen allele CA5466882.